The following is an entry in ClinVar:

NM_021098.3(CACNA1H):c.4235G>A (p.Arg1412Gln)

Gene: CACNA1H (calcium voltage-gated channel subunit alpha1 H; plus strand). Cytogenetic location: 16p13.3.
Variant type: single nucleotide variant.
Coding change: c.4235G>A on transcript NM_021098.3 (MANE Select); coding-DNA position 4235, G replaced by A.
Protein change: p.Arg1412Gln; replaces arginine 1412 with glutamine.
Molecular consequence: missense variant.
Genome position (GRCh38, 1-based): chr16:1,211,179, G>A. VCF-style: chr16-1211179-G-A. GRCh37 (hg19) VCF-style: chr16-1261179-G-A.
Other names: c.4235G>A, p.Arg1412Gln (NM_001005407.2); short protein forms R1412Q.
Identifiers: ClinVar variation 2178309 (VCV002178309.4), dbSNP rs760124275, ClinGen allele CA7801231.

ClinVar aggregate classification (germline): Uncertain significance (1 of 4 stars; one submission).

Conditions:
Idiopathic generalized epilepsy. Also called: Generalised epilepsy; EIG. Identifiers: MedGen C0270850, MONDO:0005579, OMIM 600669.
Hyperaldosteronism, familial, type IV (HALD4). Also called: FH IV; ALDOSTERONISM, PRIMARY, AND HYPERTENSION. Identifiers: Orphanet 642671, MedGen C4310756, MONDO:0014875, OMIM 617027.

Allele frequency attached by ClinVar (database versions not stated): TOPMed 0.00001; ExAC 0.00002; gnomAD 0.00002; gnomAD exomes 0.00002.
gnomAD v4.1: 28 of 1,612,624 alleles (0.0017%); highest among the groups gnomAD compares: Admixed American, 0.005%; no homozygotes.

Submission:

Labcorp Genetics (formerly Invitae), Labcorp
Classification: Uncertain significance for Idiopathic generalized epilepsy; Hyperaldosteronism, familial, type IV. Last evaluated: 2023-12-02. Review status: criteria provided, single submitter. Criteria: Invitae Variant Classification Sherloc (09022015). Collection method: clinical testing. Allele origin: germline.
Comment: This sequence change replaces arginine, which is basic and polar, with glutamine, which is neutral and polar, at codon 1412 of the CACNA1H protein (p.Arg1412Gln). This variant is present in population databases (rs760124275, gnomAD 0.03%). This variant has not been reported in the literature in individuals affected with CACNA1H-related conditions. ClinVar contains an entry for this variant (Variation ID: 2178309). Advanced modeling of protein sequence and biophysical properties (such as structural, functional, and spatial information, amino acid conservation, physicochemical variation, residue mobility, and thermodynamic stability) performed at Invitae indicates that this missense variant is expected to disrupt CACNA1H protein function with a positive predictive value of 80%. In summary, the available evidence is currently insufficient to determine the role of this variant in disease. Therefore, it has been classified as a Variant of Uncertain Significance.